The following is an entry in ClinVar:

ClinVar aggregate classification (germline): Pathogenic/Likely pathogenic. Review status: criteria provided, multiple submitters, no conflicts (2 of 4 stars). 3 submissions from 3 submitters: Pathogenic (2); Likely pathogenic (1). Last evaluated 2026-09-02.

Conditions:
TNXB-related disorder. Also called: TNXB-related condition.

Submissions (3):

PreventionGenetics, part of Exact Sciences
Classification: Pathogenic for TNXB-related condition. Last evaluated: 2026-09-02. Review status: criteria provided, single submitter. Criteria: ACMG Guidelines, 2015. Collection method: clinical testing. Allele origin: germline.
Comment: The TNXB c.11435_11524+30del120 variant is predicted to result in a deletion affecting a canonical splice site. This pseudogene-derived variant has been reported to be pathogenic for autosomal recessive classical-like Ehlers-Danlos syndrome (clEDS) (Schalkwijk et al. 2001. PubMed ID: 11642233). This variant has also been linked to hypermobility type EDS due to TNXB haploinsufficiency (Zweers et al. 2003. PubMed ID: 12865992; Merke et al. 2013. PubMed ID: 23284009). This variant is interpreted as pathogenic for autosomal recessive clEDS.

GeneDx
Classification: Likely pathogenic. Last evaluated: 2025-06-25. Review status: criteria provided, single submitter. Criteria: GeneDx Variant Classification Process June 2021. Collection method: clinical testing. Allele origin: germline. Affected: yes.
Comment: Not observed at significant frequency in large population cohorts (gnomAD); Canonical splice site variant predicted to result in an in-frame loss of the adjacent exon in a gene for which loss of function is a known mechanism of disease; This variant is associated with the following publications: (PMID: 31775249, 27582382, 38307397, 35128805, 32572181)

Mayo Clinic Laboratories, Mayo Clinic
Classification: Pathogenic. Last evaluated: 2024-11-26. Review status: criteria provided, single submitter. Criteria: ACMG Guidelines, 2015. Collection method: clinical testing. Allele origin: germline. Observed: 1 variant allele.
Comment: PM2_supporting, PM3_very_strong, PS4, PVS1_moderate

Literature cited by the submitters: PubMed 27582382 (cited by Mayo Clinic Laboratories, Mayo Clinic); PubMed 33721335 (cited by Mayo Clinic Laboratories, Mayo Clinic); PubMed 37712068 (cited by Mayo Clinic Laboratories, Mayo Clinic).

NM_001365276.2(TNXB):c.11441_11530+30del

Genes: TNXB (tenascin XB; minus strand), LOC106780803 (tenascin XB recombination region; plus strand). Cytogenetic location: 6p21.33.
Variant type: Deletion.
Coding change: c.11441_11530+30del on transcript NM_001365276.2 (MANE Select); coding-DNA position 11441 through 30 bases into the intron after coding-DNA position 11530, 120 bases deleted.
Molecular consequence: splice donor variant.
Genome position (GRCh38, 1-based): chr6:32,043,719-32,043,838, 120 bases deleted. GRCh37 (hg19): chr6:32,011,499-32,011,618.
Other names: p.Gly3812_Thr3841del; p.?; c.11435_11524+30del (NM_019105.8); c.11435_11524+30del120 (NM_019105.6); c.12182_12271+30del (NM_001428335.1); c.728_817+30del (NM_032470.4).
Identifiers: ClinVar variation 3381004 (VCV003381004.4).